The following is an entry in ClinVar:

NM_001199138.2(NLRC4):c.1799A>G (p.Glu600Gly)

Gene: NLRC4 (NLR family CARD domain containing 4; minus strand). Cytogenetic location: 2p22.3.
Variant type: single nucleotide variant.
Coding change: c.1799A>G on transcript NM_001199138.2 (MANE Select); coding-DNA position 1799, A replaced by G.
Protein change: p.Glu600Gly; replaces glutamic acid 600 with glycine.
Molecular consequence: missense variant. On other transcripts: intron variant (1).
Genome position (GRCh38, 1-based): chr2:32,250,065, T>C on the plus strand (A>G on the coding strand, the complement: NLRC4 is on the minus strand). VCF-style: chr2-32250065-T-C. GRCh37 (hg19) VCF-style: chr2-32475134-T-C.
Other names: p.Glu600Gly; c.1799A>G, p.Glu600Gly (NM_001199139.2, NM_021209.5); c.262+2354A>G (NM_001302504.1); short protein forms E600G.
Identifiers: ClinVar variation 641893 (VCV000641893.11), dbSNP rs150950016, ClinGen allele CA1601923.

ClinVar aggregate classification (germline): Uncertain significance. Review status: criteria provided, multiple submitters, no conflicts (2 of 4 stars). 2 submissions from 2 submitters: Uncertain significance (2). Last evaluated 2026-01-22.

Conditions:
Periodic fever-infantile enterocolitis-autoinflammatory syndrome. Also called: Autoinflammation with infantile enterocolitis. Identifiers: Orphanet 436166, MedGen C4015067, MONDO:0014472, OMIM 616050.
Familial cold autoinflammatory syndrome 4 (FCAS4). Identifiers: Orphanet 47045, Orphanet 576349, MedGen C4015276, MONDO:0014498, OMIM 616115.

Allele frequency attached by ClinVar (database versions not stated): gnomAD exomes 0.00006 and 0.00011; gnomAD 0.00007; ESP Exome Variant Server 0.00015; ExAC 0.00005; TOPMed 0.00009.
gnomAD v4.1: 180 of 1,614,092 alleles (0.011%); highest among the groups gnomAD compares: Non-Finnish European, 0.014%; no homozygotes.

Submissions (2):

Labcorp Genetics (formerly Invitae), Labcorp
Classification: Uncertain significance for Periodic fever-infantile enterocolitis-autoinflammatory syndrome; Familial cold autoinflammatory syndrome 4. Last evaluated: 2026-01-22. Review status: criteria provided, single submitter. Criteria: Invitae Variant Classification Sherloc (09022015). Collection method: clinical testing. Allele origin: germline.
Comment: This sequence change replaces glutamic acid, which is acidic and polar, with glycine, which is neutral and non-polar, at codon 600 of the NLRC4 protein (p.Glu600Gly). This variant is present in population databases (rs150950016, gnomAD 0.01%). This variant has not been reported in the literature in individuals affected with NLRC4-related conditions. ClinVar contains an entry for this variant (Variation ID: 641893). Invitae Evidence Modeling of protein sequence and biophysical properties (such as structural, functional, and spatial information, amino acid conservation, physicochemical variation, residue mobility, and thermodynamic stability) indicates that this missense variant is not expected to disrupt NLRC4 protein function with a negative predictive value of 80%. In summary, the available evidence is currently insufficient to determine the role of this variant in disease. Therefore, it has been classified as a Variant of Uncertain Significance.

Mayo Clinic Laboratories, Mayo Clinic
Classification: Uncertain significance. Last evaluated: 2025-06-04. Review status: criteria provided, single submitter. Criteria: ACMG Guidelines, 2015. Collection method: clinical testing. Allele origin: germline. Observed: 1 variant allele.
Comment: BP4_moderate, PM2_supporting

Literature cited by the submitters: PubMed 29778503 (cited by Mayo Clinic Laboratories, Mayo Clinic).